The following is an entry in ClinVar:

NM_003126.4(SPTA1):c.4429C>T (p.Arg1477Cys)

Gene: SPTA1 (spectrin alpha, erythrocytic 1; minus strand). Cytogenetic location: 1q23.1.
Variant type: single nucleotide variant.
Coding change: c.4429C>T on transcript NM_003126.4 (MANE Select); coding-DNA position 4429, C replaced by T.
Protein change: p.Arg1477Cys; replaces arginine 1477 with cysteine.
Molecular consequence: missense variant.
Genome position (GRCh38, 1-based): chr1:158,643,335, G>A on the plus strand (C>T on the coding strand, the complement: SPTA1 is on the minus strand). VCF-style: chr1-158643335-G-A. GRCh37 (hg19) VCF-style: chr1-158613125-G-A.
Other names: short protein forms R1477C.
Identifiers: ClinVar variation 3906825 (VCV003906825.2).

ClinVar aggregate classification (germline): Uncertain significance. Review status: criteria provided, multiple submitters, no conflicts (2 of 4 stars). 2 submissions from 2 submitters: Uncertain significance (2). Last evaluated 2024-12-19.

gnomAD v4.1: 234 of 1,613,744 alleles (0.015%); highest among the groups gnomAD compares: Admixed American, 0.023%; no homozygotes.

Submissions (2):

GeneDx
Classification: Uncertain significance. Last evaluated: 2024-12-19. Review status: criteria provided, single submitter. Criteria: GeneDx Variant Classification Process June 2021. Collection method: clinical testing. Allele origin: germline. Affected: yes.
Comment: In silico analysis supports that this missense variant has a deleterious effect on protein structure/function; Has not been previously published as pathogenic or benign to our knowledge

Revvity Omics, Revvity
Classification: Uncertain significance. Last evaluated: 2023-12-20. Review status: criteria provided, single submitter. Criteria: ACMG Guidelines, 2015. Collection method: clinical testing. Allele origin: germline.